The following is an entry in ClinVar:

NC_000009.11:g.(?_214864)_(399260_404917)dup

Genes: DOCK8 (dedicator of cytokinesis 8; plus strand), DOCK8-AS1 (DOCK8 antisense RNA 1; minus strand). Cytogenetic location: 9p24.3.
Variant type: Duplication.
Identifiers: ClinVar variation 1339699 (VCV001339699.1).

ClinVar aggregate classification (germline): Uncertain significance (1 of 4 stars; one submission).

Submission:

Women's Health and Genetics/Laboratory Corporation of America, LabCorp
Classification: Uncertain significance. Last evaluated: 2022-01-13. Review status: criteria provided, single submitter. Criteria: LabCorp Variant Classification Summary - May 2015. Collection method: clinical testing. Allele origin: germline.
Comment: Variant summary: The variant identified by MLPA or other technology involves the duplication of exons 1-26 in the DOCK8 gene. The exact breakpoint at the 5' end of this variant is unknown and therefore this duplication might extend upstream of the assayed region of the DOCK8 gene. A presumed nomenclature of c.(?_-113)_(3234+1_3235-1)dup has been designated for the purposes of this classification. It has been assumed that this is a tandem duplication in direct orientation (Richardson_GIM_2018, Newman_AJHG_2015). Since the exact breakpoints of this duplication are not known, it is not possible to predict if it causes an in-frame or an out-of-frame product. The variant was absent in 21694 control chromosomes (gnomAD database, Structural Variants dataset). The available data on variant occurrences in the general population are insufficient to allow any conclusion about variant significance. The variant, c.(?_-113)_(3234+1_3235-1)dup, has been reported in the literature in an individual affected with autism spectrum disorders (ASD), with attention deficit hyperactivity disorder (ADHD), however this patient also carried a separate duplication, affecting the gene KANK1 (Capkova_2021); authors proposed that the likely cause of ASD was the intragenic DOCK8 duplication, and the KANK1 aberration served as a modulator of the clinical phenotype observed. This report however does not provide unequivocal conclusions about association of the variant with the observed phenotype or other DOCK8-related diseases. To our knowledge, no experimental evidence demonstrating an impact on protein function has been reported. One clinical diagnostic laboratory has submitted clinical-significance assessments for this variant to ClinVar after 2014, and classified the variant as uncertain significance. Based on the evidence outlined above, the variant was classified as uncertain significance.

Literature cited by the submitters: PubMed 33455084.